The following is an entry in ClinVar:

ClinVar aggregate classification (germline): Uncertain significance. Review status: criteria provided, multiple submitters, no conflicts (2 of 4 stars). 3 submissions from 3 submitters: Uncertain significance (3). Last evaluated 2025-01-13.

Conditions:
Immunodeficiency 96 (IMD96). Identifiers: MedGen C5676930, MONDO:0030693, OMIM 619774.

Allele frequency attached by ClinVar (database versions not stated): ExAC 0.00007; gnomAD exomes 0.00012.
gnomAD v4.1: 86 of 1,612,728 alleles (0.0053%); highest among the groups gnomAD compares: East Asian, 0.089%; no homozygotes.

Submissions (3):

Labcorp Genetics (formerly Invitae), Labcorp
Classification: Uncertain significance. Last evaluated: 2025-01-13. Review status: criteria provided, single submitter. Criteria: Invitae Variant Classification Sherloc (09022015). Collection method: clinical testing. Allele origin: germline.
Comment: This sequence change replaces proline, which is neutral and non-polar, with serine, which is neutral and polar, at codon 260 of the LIG1 protein (p.Pro260Ser). This variant is present in population databases (rs759755473, gnomAD 0.1%). This variant has not been reported in the literature in individuals affected with LIG1-related conditions. ClinVar contains an entry for this variant (Variation ID: 1409787). An algorithm developed to predict the effect of missense changes on protein structure and function outputs the following: PolyPhen-2: "Benign". The serine amino acid residue is found in multiple mammalian species, which suggests that this missense change does not adversely affect protein function. In summary, the available evidence is currently insufficient to determine the role of this variant in disease. Therefore, it has been classified as a Variant of Uncertain Significance.

Ambry Genetics
Classification: Uncertain significance. Last evaluated: 2022-04-01. Review status: criteria provided, single submitter. Criteria: Ambry Variant Classification Scheme 2023. Collection method: clinical testing. Allele origin: germline.

Fulgent Genetics
Classification: Uncertain significance for Immunodeficiency 96. Last evaluated: 2021-08-02. Review status: criteria provided, single submitter. Criteria: ACMG Guidelines, 2015. Collection method: clinical testing. Allele origin: unknown.

NM_000234.3(LIG1):c.778C>T (p.Pro260Ser)

Gene: LIG1 (DNA ligase 1; minus strand). Cytogenetic location: 19q13.33.
Variant type: single nucleotide variant.
Coding change: c.778C>T on transcript NM_000234.3 (MANE Select); coding-DNA position 778, C replaced by T.
Protein change: p.Pro260Ser; replaces proline 260 with serine.
Molecular consequence: missense variant. On other transcripts: non-coding transcript variant (6).
Genome position (GRCh38, 1-based): chr19:48,143,962, G>A on the plus strand (C>T on the coding strand, the complement: LIG1 is on the minus strand). VCF-style: chr19-48143962-G-A. GRCh37 (hg19) VCF-style: chr19-48647219-G-A.
Other names: c.685C>T, p.Pro229Ser (NM_001289063.2); c.574C>T, p.Pro192Ser (NM_001289064.2); c.775C>T, p.Pro259Ser (NM_001320970.2); c.688C>T, p.Pro230Ser (NM_001320971.2); c.778C>T (NM_000234.1); short protein forms P192S, P229S, P259S, P260S, P230S.
Identifiers: ClinVar variation 1409787 (VCV001409787.7), dbSNP rs759755473, ClinGen allele CA9547115.